The following is an entry in ClinVar:

NM_001098.3(ACO2):c.2217G>T (p.Lys739Asn)

Genes: ACO2 (aconitase 2; plus strand), POLR3H (RNA polymerase III subunit H; minus strand). Cytogenetic location: 22q13.2.
Variant type: single nucleotide variant.
Coding change: c.2217G>T on transcript NM_001098.3 (MANE Select); coding-DNA position 2217, G replaced by T.
Protein change: p.Lys739Asn; replaces lysine 739 with asparagine.
Molecular consequence: missense variant. On other transcripts: 3 prime UTR variant (5).
Genome position (GRCh38, 1-based): chr22:41,528,487, G>T. VCF-style: chr22-41528487-G-T. GRCh37 (hg19) VCF-style: chr22-41924491-G-T.
Other names: c.*796C>A (NM_001018050.4, NM_001018052.4, NM_001282884.2 and 2 more transcripts); short protein forms K739N.
Identifiers: ClinVar variation 2901980 (VCV002901980.3), dbSNP rs2518246322, ClinGen allele CA411729531.
Genomic context (GRCh38, chr22:41,528,487, plus strand): 5'-CAAGGGCACACAGTACCCACCACTTCCACCCACACCCACCTTCTCCTTGCAGCCCCTGAA[G>T]TGCATCATCAAGCACCCCAACGGGACCCAGGAGACCATCCTCCTGAACCACACCTTCAAC-3'
Protein context (NP_001089.1, residues 729-749): LKDFTPGKPL[Lys739Asn]CIIKHPNGTQ

ClinVar aggregate classification (germline): Uncertain significance (1 of 4 stars; one submission).

Submission:

Labcorp Genetics (formerly Invitae), Labcorp
Classification: Uncertain significance. Last evaluated: 2023-06-23. Review status: criteria provided, single submitter. Criteria: Invitae Variant Classification Sherloc (09022015). Collection method: clinical testing. Allele origin: germline.
Comment: In summary, the available evidence is currently insufficient to determine the role of this variant in disease. Therefore, it has been classified as a Variant of Uncertain Significance. Advanced modeling of protein sequence and biophysical properties (such as structural, functional, and spatial information, amino acid conservation, physicochemical variation, residue mobility, and thermodynamic stability) performed at Invitae indicates that this missense variant is not expected to disrupt ACO2 protein function. This variant has not been reported in the literature in individuals affected with ACO2-related conditions. This variant is not present in population databases (gnomAD no frequency). This sequence change replaces lysine, which is basic and polar, with asparagine, which is neutral and polar, at codon 739 of the ACO2 protein (p.Lys739Asn).